The following is an entry in ClinVar:

ClinVar aggregate classification (germline): Benign. Review status: criteria provided, multiple submitters, no conflicts (2 of 4 stars). 3 submissions from 3 submitters: Benign (2). 1 of the submissions does not count toward it. Last evaluated 2017-12-28.

Conditions:
NLRP14-related disorder. Also called: NLRP14-related condition.

Allele frequency attached by ClinVar (database versions not stated): gnomAD exomes 0.00180 and 0.00474; ExAC 0.00550; 1000 Genomes Project 0.01737; gnomAD 0.01744 and 0.01888; 1000 Genomes Project 30x 0.01936; TOPMed 0.02000; ESP Exome Variant Server 0.02009.
gnomAD v4.1: 5,438 of 1,614,060 alleles (0.34%); highest among the groups gnomAD compares: African/African-American, 6.1%; 166 homozygotes.

Submissions (3):

Labcorp Genetics (formerly Invitae), Labcorp
Classification: Benign. Last evaluated: 2017-12-28. Review status: criteria provided, single submitter. Criteria: Invitae Variant Classification Sherloc (09022015). Collection method: clinical testing. Allele origin: germline.

Breakthrough Genomics
Classification: Benign. Review status: criteria provided, single submitter. Criteria: ACMG Guidelines, 2015. Collection method: not provided. Allele origin: germline. Inheritance: Unknown mechanism. Affected: yes.

PreventionGenetics, part of Exact Sciences
Classification: Benign for NLRP14-related condition. Last evaluated: 2019-03-22. Review status: no assertion criteria provided. Collection method: clinical testing. Allele origin: germline. Not counted in ClinVar's aggregate classification.
Comment: This variant is classified as benign based on ACMG/AMP sequence variant interpretation guidelines (Richards et al. 2015 PMID: 25741868, with internal and published modifications).

NM_176822.4(NLRP14):c.1014T>C (p.Tyr338=)

Gene: NLRP14 (NLR family pyrin domain containing 14; plus strand). Cytogenetic location: 11p15.4.
Variant type: single nucleotide variant.
Coding change: c.1014T>C on transcript NM_176822.4 (MANE Select); coding-DNA position 1014, T replaced by C.
Protein change: p.Tyr338=; no amino-acid change (tyrosine 338 retained).
Molecular consequence: synonymous variant.
Genome position (GRCh38, 1-based): chr11:7,043,040, T>C. VCF-style: chr11-7043040-T-C. GRCh37 (hg19) VCF-style: chr11-7064271-T-C.
Identifiers: ClinVar variation 776580 (VCV000776580.6), dbSNP rs116753166, ClinGen allele CA5864709.